The following is an entry in ClinVar:

ClinVar aggregate classification (germline): Uncertain significance. Review status: criteria provided, multiple submitters, no conflicts (2 of 4 stars). 2 submissions from 2 submitters: Uncertain significance (2). Last evaluated 2025-08-22.

Conditions:
Inborn genetic diseases. Identifiers: MedGen C0950123, MeSH D030342.

Allele frequency attached by ClinVar (database versions not stated): gnomAD exomes 0.00001 and 0.00002; TOPMed 0.00001; gnomAD 0.00003 and 0.00004.
gnomAD v4.1: 15 of 1,598,804 alleles (0.00094%); highest among the groups gnomAD compares: Admixed American, 0.0017%; no homozygotes.

Submissions (2):

Ambry Genetics
Classification: Uncertain significance for Inborn genetic diseases. Last evaluated: 2025-08-22. Review status: criteria provided, single submitter. Criteria: Ambry Variant Classification Scheme 2023. Collection method: clinical testing. Allele origin: germline.

GeneDx
Classification: Uncertain significance. Last evaluated: 2016-12-08. Review status: criteria provided, single submitter. Criteria: GeneDx Variant Classification (06012015). Collection method: clinical testing. Allele origin: germline. Affected: yes.
Comment: The V1103I variant in the STRC gene has not been reported previously as a pathogenic variant, nor as a benign variant, to our knowledge. The V1103I variant was not observed in approximately 6,500 individuals of European and African American ancestry in the NHLBI Exome Sequencing Project, indicating it is not a common benign variant in these populations. The V1103I variant is a conservative amino acid substitution, which is not likely to impact secondary protein structure as these residues share similar properties. This substitution occurs at a position that is conserved across species. While in silico analysis is inconsistent whether or not the variant is damaging to protein structure/function, splice predictor models suggest that c.3307 G>A (V1103I) damages the natural acceptor splice site in intron 13, which may result in abnormal gene splicing. However, in the absence of RNA/functional studies, the actual effect of c.3307 G>A in this individual is unknown. Therefore, we interpret V1103I as a variant of uncertain significance.

NM_153700.2(STRC):c.3307G>A (p.Val1103Ile)

Gene: STRC (stereocilin; minus strand). Cytogenetic location: 15q15.3.
Variant type: single nucleotide variant.
Coding change: c.3307G>A on transcript NM_153700.2 (MANE Select); coding-DNA position 3307, G replaced by A.
Protein change: p.Val1103Ile; replaces valine 1103 with isoleucine.
Molecular consequence: missense variant.
Genome position (GRCh38, 1-based): chr15:43,610,984, C>T on the plus strand (G>A on the coding strand, the complement: STRC is on the minus strand). VCF-style: chr15-43610984-C-T. GRCh37 (hg19) VCF-style: chr15-43903182-C-T.
Other names: short protein forms V1103I.
Identifiers: ClinVar variation 373397 (VCV000373397.2), dbSNP rs1057518394, ClinGen allele CA16042998.